The following is an entry in ClinVar:

ClinVar aggregate classification (germline): Uncertain significance. Review status: criteria provided, multiple submitters, no conflicts (2 of 4 stars). 3 submissions from 3 submitters: Uncertain significance (2). 1 of the submissions does not count toward it. Last evaluated 2024-05-15.

Conditions:
Granulomatous disease, chronic, autosomal recessive, cytochrome b-positive, type 3. Also called: CGD, AUTOSOMAL RECESSIVE CYTOCHROME b-POSITIVE, TYPE III; GRANULOMATOUS DISEASE, CHRONIC, DUE TO NCF4 DEFICIENCY; Granulomatous disease, chronic, autosomal recessive, cytochrome b-positive, type III; GRANULOMATOUS DISEASE, CHRONIC, AUTOSOMAL RECESSIVE, 3. Identifiers: Orphanet 379, MedGen C3151409, MONDO:0013507, OMIM 613960.

Allele frequency attached by ClinVar (database versions not stated): ExAC 0.00001; gnomAD exomes 0.00002; gnomAD 0.00005 and 0.00006; TOPMed 0.00011.
gnomAD v4.1: 107 of 1,613,140 alleles (0.0066%); highest among the groups gnomAD compares: Non-Finnish European, 0.0088%; no homozygotes.

Submissions (3):

Women's Health and Genetics/Laboratory Corporation of America, LabCorp
Classification: Uncertain significance. Last evaluated: 2024-05-15. Review status: criteria provided, single submitter. Criteria: LabCorp Variant Classification Summary - May 2015. Collection method: clinical testing. Allele origin: germline.
Comment: Variant summary: NCF4 c.1003G>C (p.Gly335Arg) results in a non-conservative amino acid change in the encoded protein sequence. Three of five in-silico tools predict a benign effect of the variant on protein function. Several computational tools predict a significant impact on normal splicing: Four predict the variant abolishes a 3' acceptor site. At least one publication reports experimental evidence that this variant affects mRNA splicing. The variant allele was found at a frequency of 1.6e-05 in 250078 control chromosomes. The available data on variant occurrences in the general population are insufficient to allow any conclusion about variant significance. c.1003G>C has been reported in the literature in individuals affected with Chronic Granulomatous Disease (van de Geer_2018). This variant is also known as c.759-1G>C in a different transcript (NM_000631.5). The following publication have been ascertained in the context of this evaluation (PMID: 29969437). ClinVar contains an entry for this variant (Variation ID: 539178). Based on the evidence outlined above, the variant was classified as uncertain significance.

Labcorp Genetics (formerly Invitae), Labcorp
Classification: Uncertain significance for Granulomatous disease, chronic, autosomal recessive, cytochrome b-positive, type 3. Last evaluated: 2022-09-07. Review status: criteria provided, single submitter. Criteria: Invitae Variant Classification Sherloc (09022015). Collection method: clinical testing. Allele origin: germline.
Comment: This sequence change replaces glycine, which is neutral and non-polar, with arginine, which is basic and polar, at codon 335 of the NCF4 protein (p.Gly335Arg). This variant is present in population databases (rs200347935, gnomAD 0.007%). This missense change has been observed in individual(s) with chronic granulomatous disease (PMID: 29969437). In at least one individual the data is consistent with being in trans (on the opposite chromosome) from a pathogenic variant. This variant is also known as c.759-1G>C (using transcript NM_000631.5). ClinVar contains an entry for this variant (Variation ID: 539178). Algorithms developed to predict the effect of missense changes on protein structure and function are either unavailable or do not agree on the potential impact of this missense change (SIFT: "Tolerated"; PolyPhen-2: "Probably Damaging"; Align-GVGD: "Class C0"). Algorithms developed to predict the effect of sequence changes on RNA splicing suggest that this variant may disrupt the consensus splice site. In summary, the available evidence is currently insufficient to determine the role of this variant in disease. Therefore, it has been classified as a Variant of Uncertain Significance.

OMIM
Classification: Pathogenic for GRANULOMATOUS DISEASE, CHRONIC, AUTOSOMAL RECESSIVE, 3. Last evaluated: 2020-07-06. Review status: no assertion criteria provided. Collection method: literature only. Allele origin: germline. Not counted in ClinVar's aggregate classification.

Literature cited by the submitters: PubMed 29969437 (cited by 3 submitters).

NM_000631.5(NCF4):c.759-1G>C

Gene: NCF4 (neutrophil cytosolic factor 4; plus strand). Cytogenetic location: 22q12.3.
Variant type: single nucleotide variant.
Coding change: c.759-1G>C on transcript NM_000631.5 (MANE Select); the canonical splice acceptor site of the intron before coding-DNA position 759, G replaced by C.
Molecular consequence: splice acceptor variant. On other transcripts: missense variant (1).
Genome position (GRCh38, 1-based): chr22:36,876,028, G>C. VCF-style: chr22-36876028-G-C. GRCh37 (hg19) VCF-style: chr22-37272070-G-C.
Other names: IVS8DS, G-C, -1; c.1003G>C, p.Gly335Arg (NM_013416.4); short protein forms G335R.
Identifiers: ClinVar variation 539178 (VCV000539178.9), dbSNP rs200347935, ClinGen allele CA10213207.